The following is an entry in ClinVar:

NM_001363711.2(DUOX2):c.3224C>A (p.Thr1075Asn)

Gene: DUOX2 (dual oxidase 2; minus strand). Cytogenetic location: 15q21.1.
Variant type: single nucleotide variant.
Coding change: c.3224C>A on transcript NM_001363711.2 (MANE Select); coding-DNA position 3224, C replaced by A.
Protein change: p.Thr1075Asn; replaces threonine 1075 with asparagine.
Molecular consequence: missense variant.
Genome position (GRCh38, 1-based): chr15:45,099,853, G>T on the plus strand (C>A on the coding strand, the complement: DUOX2 is on the minus strand). VCF-style: chr15-45099853-G-T. GRCh37 (hg19) VCF-style: chr15-45392051-G-T.
Other names: c.3224C>A, p.Thr1075Asn (NM_014080.5); short protein forms T1075N.
Identifiers: ClinVar variation 3686875 (VCV003686875.2).

ClinVar aggregate classification (germline): Uncertain significance (1 of 4 stars; one submission).

Submission:

Labcorp Genetics (formerly Invitae), Labcorp
Classification: Uncertain significance. Last evaluated: 2024-08-19. Review status: criteria provided, single submitter. Criteria: Invitae Variant Classification Sherloc (09022015). Collection method: clinical testing. Allele origin: germline.
Comment: This sequence change replaces threonine, which is neutral and polar, with asparagine, which is neutral and polar, at codon 1075 of the DUOX2 protein (p.Thr1075Asn). This variant is not present in population databases (gnomAD no frequency). This variant has not been reported in the literature in individuals affected with DUOX2-related conditions. Invitae Evidence Modeling of protein sequence and biophysical properties (such as structural, functional, and spatial information, amino acid conservation, physicochemical variation, residue mobility, and thermodynamic stability) indicates that this missense variant is not expected to disrupt DUOX2 protein function with a negative predictive value of 80%. In summary, the available evidence is currently insufficient to determine the role of this variant in disease. Therefore, it has been classified as a Variant of Uncertain Significance.